The following is an entry in ClinVar:

ClinVar aggregate classification (germline): Uncertain significance. Review status: criteria provided, multiple submitters, no conflicts (2 of 4 stars). 2 submissions from 2 submitters: Uncertain significance (2). Last evaluated 2024-12-29.

Conditions:
Inborn genetic diseases. Identifiers: MedGen C0950123, MeSH D030342.
Mosaic variegated aneuploidy syndrome 2 (MVA2). Identifiers: Orphanet 1052, MedGen C3279843, MONDO:0013582, OMIM 614114.

Allele frequency attached by ClinVar (database versions not stated): gnomAD exomes below 0.00001; TOPMed below 0.00001.
gnomAD v4.1: 2 of 1,614,138 alleles (0.00012%); highest among the groups gnomAD compares: African/African-American, 0.0027%; no homozygotes.

Submissions (2):

Ambry Genetics
Classification: Uncertain significance for Inborn genetic diseases. Last evaluated: 2024-12-29. Review status: criteria provided, single submitter. Criteria: Ambry Variant Classification Scheme 2023. Collection method: clinical testing. Allele origin: germline.
Comment: The p.V29G variant (also known as c.86T>G), located in coding exon 2 of the CEP57 gene, results from a T to G substitution at nucleotide position 86. The valine at codon 29 is replaced by glycine, an amino acid with dissimilar properties. This amino acid position is conserved. In addition, this alteration is predicted to be tolerated by in silico analysis. Based on the available evidence, the clinical significance of this variant remains unclear.

Labcorp Genetics (formerly Invitae), Labcorp
Classification: Uncertain significance for Mosaic variegated aneuploidy syndrome 2. Last evaluated: 2023-01-07. Review status: criteria provided, single submitter. Criteria: Invitae Variant Classification Sherloc (09022015). Collection method: clinical testing. Allele origin: germline.
Comment: In summary, the available evidence is currently insufficient to determine the role of this variant in disease. Therefore, it has been classified as a Variant of Uncertain Significance. Algorithms developed to predict the effect of missense changes on protein structure and function output the following: SIFT: "Tolerated"; PolyPhen-2: "Benign"; Align-GVGD: "Class C0". The glycine amino acid residue is found in multiple mammalian species, which suggests that this missense change does not adversely affect protein function. This variant has not been reported in the literature in individuals affected with CEP57-related conditions. This variant is present in population databases (no rsID available, gnomAD 0.01%). This sequence change replaces valine, which is neutral and non-polar, with glycine, which is neutral and non-polar, at codon 29 of the CEP57 protein (p.Val29Gly).

NM_014679.5(CEP57):c.86T>G (p.Val29Gly)

Gene: CEP57 (centrosomal protein 57; plus strand). Cytogenetic location: 11q21.
Variant type: single nucleotide variant.
Coding change: c.86T>G on transcript NM_014679.5 (MANE Select); coding-DNA position 86, T replaced by G.
Protein change: p.Val29Gly; replaces valine 29 with glycine.
Molecular consequence: missense variant.
Genome position (GRCh38, 1-based): chr11:95,799,272, T>G. VCF-style: chr11-95799272-T-G. GRCh37 (hg19) VCF-style: chr11-95532436-T-G.
Other names: c.59T>G, p.Val20Gly (NM_001243776.2); c.86T>G, p.Val29Gly (NM_001243777.2); c.5T>G, p.Val2Gly (NM_001363604.2); c.86T>G (NM_014679.4); short protein forms V2G, V20G, V29G.
Identifiers: ClinVar variation 2196940 (VCV002196940.5), dbSNP rs1269849943, ClinGen allele CA382415526.
Genomic context (GRCh38, chr11:95,799,272, plus strand): 5'-TTTGTGTCTTTATTTTTTAGAACAGCTTTGCTGAGCCATCAAGGTCTAATGGAAGCATGG[T>G]TCGGCATTCTTCATCTCCATATGTAGTATATCCTTCGGATAAGCCTTTCCTTAATAGTGA-3'
Protein context (NP_055494.2, residues 19-39): AEPSRSNGSM[Val29Gly]RHSSSPYVVY